The following is an entry in ClinVar:

ClinVar aggregate classification (germline): Uncertain significance (1 of 4 stars; one submission).

Allele frequency attached by ClinVar (database versions not stated): gnomAD exomes below 0.00001.

Submission:

Labcorp Genetics (formerly Invitae), Labcorp
Classification: Uncertain significance. Last evaluated: 2022-04-09. Review status: criteria provided, single submitter. Criteria: Invitae Variant Classification Sherloc (09022015). Collection method: clinical testing. Allele origin: germline.
Comment: In summary, the available evidence is currently insufficient to determine the role of this variant in disease. Therefore, it has been classified as a Variant of Uncertain Significance. Experimental studies and prediction algorithms are not available or were not evaluated, and the functional significance of this variant is currently unknown. This variant has not been reported in the literature in individuals affected with TBXA2R-related conditions. This variant is not present in population databases (gnomAD no frequency). This sequence change creates a premature translational stop signal (p.Trp306*) in the TBXA2R gene. While this is not anticipated to result in nonsense mediated decay, it is expected to disrupt the last 38 amino acid(s) of the TBXA2R protein.

NM_001060.6(TBXA2R):c.917G>A (p.Trp306Ter)

Gene: TBXA2R (thromboxane A2 receptor; minus strand). Cytogenetic location: 19p13.3.
Variant type: single nucleotide variant.
Coding change: c.917G>A on transcript NM_001060.6 (MANE Select); coding-DNA position 917, G replaced by A.
Protein change: p.Trp306Ter; replaces tryptophan 306 with a stop codon.
Molecular consequence: nonsense.
Genome position (GRCh38, 1-based): chr19:3,595,803, C>T on the plus strand (G>A on the coding strand, the complement: TBXA2R is on the minus strand). VCF-style: chr19-3595803-C-T. GRCh37 (hg19) VCF-style: chr19-3595801-C-T.
Other names: c.917G>A, p.Trp306Ter (NM_201636.3); short protein forms W306*.
Identifiers: ClinVar variation 2123875 (VCV002123875.4), dbSNP rs2512436528, ClinGen allele CA403330586.